The following is an entry in ClinVar:

ClinVar aggregate classification (germline): Conflicting classifications of pathogenicity. Review status: criteria provided, conflicting classifications (1 of 4 stars). 3 submissions from 3 submitters: Uncertain significance (2); Likely benign (1). Last evaluated 2026-07-28.

Conditions:
OTOF-related disorder. Also called: OTOF-related condition.

Allele frequency attached by ClinVar (database versions not stated): TOPMed 0.00001; gnomAD exomes 0.00002; ExAC 0.00003; gnomAD 0.00003 and 0.00004.
gnomAD v4.1: 63 of 1,613,018 alleles (0.0039%); highest among the groups gnomAD compares: Non-Finnish European, 0.0049%; no homozygotes.

Submissions (3):

PreventionGenetics, part of Exact Sciences
Classification: Uncertain significance for OTOF-related condition. Last evaluated: 2026-07-28. Review status: criteria provided, single submitter. Criteria: ACMG Guidelines, 2015. Collection method: clinical testing. Allele origin: germline.
Comment: The OTOF c.3755G>A variant is predicted to result in the amino acid substitution p.Arg1252His. To our knowledge, this variant has not been reported in the literature. This variant is reported in 0.0039% of alleles in individuals of European (Non-Finnish) descent in gnomAD. At this time, the clinical significance of this variant is uncertain due to the absence of conclusive functional and genetic evidence.

Labcorp Genetics (formerly Invitae), Labcorp
Classification: Uncertain significance. Last evaluated: 2022-10-04. Review status: criteria provided, single submitter. Criteria: Invitae Variant Classification Sherloc (09022015). Collection method: clinical testing. Allele origin: germline.
Comment: This sequence change replaces arginine, which is basic and polar, with histidine, which is basic and polar, at codon 1252 of the OTOF protein (p.Arg1252His). This variant is present in population databases (rs201532334, gnomAD 0.005%). This variant has not been reported in the literature in individuals affected with OTOF-related conditions. ClinVar contains an entry for this variant (Variation ID: 1513860). Advanced modeling of protein sequence and biophysical properties (such as structural, functional, and spatial information, amino acid conservation, physicochemical variation, residue mobility, and thermodynamic stability) performed at Invitae indicates that this missense variant is not expected to disrupt OTOF protein function. In summary, the available evidence is currently insufficient to determine the role of this variant in disease. Therefore, it has been classified as a Variant of Uncertain Significance.

Blueprint Genetics
Classification: Likely benign. Last evaluated: 2021-01-05. Review status: criteria provided, single submitter. Criteria: ACMG Guidelines, 2015. Collection method: clinical testing. Allele origin: germline.

NM_194248.3(OTOF):c.3755G>A (p.Arg1252His)

Gene: OTOF (otoferlin; minus strand). Cytogenetic location: 2p23.3.
Variant type: single nucleotide variant.
Coding change: c.3755G>A on transcript NM_194248.3 (MANE Select); coding-DNA position 3755, G replaced by A.
Protein change: p.Arg1252His; replaces arginine 1252 with histidine.
Molecular consequence: missense variant. On other transcripts: intron variant (2).
Genome position (GRCh38, 1-based): chr2:26,472,628, C>T on the plus strand (G>A on the coding strand, the complement: OTOF is on the minus strand). VCF-style: chr2-26472628-C-T. GRCh37 (hg19) VCF-style: chr2-26695496-C-T.
Other names: c.3755G>A, p.Arg1252His (NM_001287489.2); c.1685G>A, p.Arg562His (NM_194322.3); c.1493-39G>A (NM_194323.3, NM_004802.4); c.3755G>A (NM_194248.2); short protein forms R1252H, R562H.
Identifiers: ClinVar variation 1513860 (VCV001513860.7), dbSNP rs201532334, ClinGen allele CA1563430.